The following is an entry in ClinVar:

NM_015450.3(POT1):c.1394_1395delinsCT (p.Lys465Thr)

Gene: POT1 (protection of telomeres 1; minus strand). Cytogenetic location: 7q31.33.
Variant type: Indel.
Coding change: c.1394_1395delinsCT on transcript NM_015450.3 (MANE Select); coding-DNA positions 1394 to 1395, AA replaced by CT.
Protein change: p.Lys465Thr; replaces lysine 465 with threonine.
Molecular consequence: missense variant. On other transcripts: non-coding transcript variant (3).
Genome position (GRCh38, 1-based): chr7:124,835,389-124,835,390, TT replaced by AG on the plus strand (AA replaced by CT on the coding strand, the reverse complement: POT1 is on the minus strand). VCF-style: chr7-124835389-TT-AG. GRCh37 (hg19) VCF-style: chr7-124475443-TT-AG.
Other names: c.1001_1002delinsCT, p.Lys334Thr (NM_001042594.2); short protein forms K334T, K465T.
Identifiers: ClinVar variation 1043739 (VCV001043739.7), dbSNP rs1794875251, ClinGen allele CA1740718421.

ClinVar aggregate classification (germline): Uncertain significance (1 of 4 stars; one submission).

Conditions:
Tumor predisposition syndrome 3 (TPDS3). Also called: Melanoma, cutaneous malignant, susceptibility to, 10; Glioma susceptibility 9; LONG TELOMERE SYNDROME, POT1-RELATED; POT1 Tumor Predisposition. Identifiers: Orphanet 618, MedGen C4014476, MONDO:0014368, OMIM 615848.

Submission:

Labcorp Genetics (formerly Invitae), Labcorp
Classification: Uncertain significance for Tumor predisposition syndrome 3. Last evaluated: 2020-09-16. Review status: criteria provided, single submitter. Criteria: Invitae Variant Classification Sherloc (09022015). Collection method: clinical testing. Allele origin: germline.
Comment: In summary, the available evidence is currently insufficient to determine the role of this variant in disease. Therefore, it has been classified as a Variant of Uncertain Significance. Algorithms developed to predict the effect of missense changes on protein structure and function are either unavailable or do not agree on the potential impact of this missense change (SIFT: "Not Available"; PolyPhen-2: "Benign"; Align-GVGD: "Not Available"). This variant has not been reported in the literature in individuals with POT1-related conditions. The frequency data for this variant in the population databases is not available, as this variant may be reported as separate entries in the ExAC database. This sequence change replaces lysine with threonine at codon 465 of the POT1 protein (p.Lys465Thr). The lysine residue is moderately conserved and there is a moderate physicochemical difference between lysine and threonine.